The following is an entry in ClinVar:

ClinVar aggregate classification (germline): Uncertain significance (1 of 4 stars; one submission).

Submission:

GeneDx
Classification: Uncertain significance. Last evaluated: 2023-05-30. Review status: criteria provided, single submitter. Criteria: GeneDx Variant Classification Process June 2021. Collection method: clinical testing. Allele origin: germline. Affected: yes.
Comment: Has not been previously published as pathogenic or benign to our knowledge; Not observed at significant frequency in large population cohorts (gnomAD); In silico analysis supports that this missense variant does not alter protein structure/function

NM_004281.4(BAG3):c.1582G>A (p.Gly528Ser)

Gene: BAG3 (BAG cochaperone 3; plus strand). Cytogenetic location: 10q26.11.
Variant type: single nucleotide variant.
Coding change: c.1582G>A on transcript NM_004281.4 (MANE Select); coding-DNA position 1582, G replaced by A.
Protein change: p.Gly528Ser; replaces glycine 528 with serine.
Molecular consequence: missense variant.
Genome position (GRCh38, 1-based): chr10:119,677,136, G>A. VCF-style: chr10-119677136-G-A. GRCh37 (hg19) VCF-style: chr10-121436648-G-A.
Other names: short protein forms G528S.
Identifiers: ClinVar variation 3359367 (VCV003359367.1).